The following is an entry in ClinVar:

NM_148897.3(SDR9C7):c.691C>T (p.Arg231Trp)

Gene: SDR9C7 (short chain dehydrogenase/reductase family 9C member 7; minus strand). Cytogenetic location: 12q13.3.
Variant type: single nucleotide variant.
Coding change: c.691C>T on transcript NM_148897.3 (MANE Select); coding-DNA position 691, C replaced by T.
Protein change: p.Arg231Trp; replaces arginine 231 with tryptophan.
Molecular consequence: missense variant.
Genome position (GRCh38, 1-based): chr12:56,929,423, G>A on the plus strand (C>T on the coding strand, the complement: SDR9C7 is on the minus strand). VCF-style: chr12-56929423-G-A. GRCh37 (hg19) VCF-style: chr12-57323207-G-A.
Other names: short protein forms R231W.
Identifiers: ClinVar variation 1698200 (VCV001698200.3), dbSNP rs540839114, ClinGen allele CA6638088.

ClinVar aggregate classification (germline): Uncertain significance. Review status: criteria provided, multiple submitters, no conflicts (2 of 4 stars). 2 submissions from 2 submitters: Uncertain significance (2). Last evaluated 2024-03-14.

Conditions:
Inborn genetic diseases. Identifiers: MedGen C0950123, MeSH D030342.

Allele frequency attached by ClinVar (database versions not stated): gnomAD 0.00001 and 0.00003; TOPMed 0.00001; gnomAD exomes 0.00002; ExAC 0.00003; 1000 Genomes Project 30x 0.00016; 1000 Genomes Project 0.00020.
gnomAD v4.1: 37 of 1,612,334 alleles (0.0023%); highest among the groups gnomAD compares: South Asian, 0.0088%; no homozygotes.

Submissions (2):

Ambry Genetics
Classification: Uncertain significance for Inborn genetic diseases. Last evaluated: 2024-03-14. Review status: criteria provided, single submitter. Criteria: Ambry Variant Classification Scheme 2023. Collection method: clinical testing. Allele origin: germline.

GeneDx
Classification: Uncertain significance. Last evaluated: 2022-01-20. Review status: criteria provided, single submitter. Criteria: GeneDx Variant Classification Process June 2021. Collection method: clinical testing. Allele origin: germline. Affected: yes.
Comment: Has not been previously published as pathogenic or benign to our knowledge; In silico analysis supports that this missense variant has a deleterious effect on protein structure/function